The following is an entry in ClinVar:

NM_005477.3(HCN4):c.3527_3540del (p.Gly1176fs)

Gene: HCN4 (hyperpolarization activated cyclic nucleotide gated potassium channel 4; minus strand). Cytogenetic location: 15q24.1.
Variant type: Deletion.
Coding change: c.3527_3540del on transcript NM_005477.3 (MANE Select); coding-DNA positions 3527 to 3540, 14 bases deleted (GGGGGCCCCCTCTG).
Protein change: p.Gly1176fs; shifts the reading frame from glycine 1176.
Molecular consequence: frameshift variant.
Genome position (GRCh38, 1-based): chr15:73,322,553-73,322,566, CAGAGGGGGCCCCC deleted on the plus strand (GGGGGCCCCCTCTG on the coding strand, the reverse complement: HCN4 is on the minus strand); deleting any 14 consecutive bases within chr15:73,322,553-73,322,570 gives the same sequence; the c. name uses the placement nearest the transcript's 3' end. VCF-style (leftmost placement, unchanged base first): chr15-73322552-TCAGAGGGGGCCCCC-T. GRCh37 (hg19) VCF-style: chr15-73614893-TCAGAGGGGGCCCCC-T.
Other names: short protein forms G1176fs.
Identifiers: ClinVar variation 1934156 (VCV001934156.5), dbSNP rs2549067755, ClinGen allele CA2580089967.

ClinVar aggregate classification (germline): Uncertain significance (1 of 4 stars; one submission).

Conditions:
Brugada syndrome 8 (BRGDA8). Identifiers: Orphanet 130, MedGen C2751083, MONDO:0013148, OMIM 613123.

Submission:

Labcorp Genetics (formerly Invitae), Labcorp
Classification: Uncertain significance for Brugada syndrome 8. Last evaluated: 2022-07-12. Review status: criteria provided, single submitter. Criteria: Invitae Variant Classification Sherloc (09022015). Collection method: clinical testing. Allele origin: germline.
Comment: This variant is not present in population databases (gnomAD no frequency). This variant has not been reported in the literature in individuals affected with HCN4-related conditions. Experimental studies and prediction algorithms are not available or were not evaluated, and the functional significance of this variant is currently unknown. In summary, the available evidence is currently insufficient to determine the role of this variant in disease. Therefore, it has been classified as a Variant of Uncertain Significance. This sequence change creates a premature translational stop signal (p.Gly1176Aspfs*13) in the HCN4 gene. While this is not anticipated to result in nonsense mediated decay, it is expected to disrupt the last 28 amino acid(s) of the HCN4 protein.